The following is an entry in ClinVar:

ClinVar aggregate classification (germline): Uncertain significance (1 of 4 stars; one submission).

gnomAD v4.1: 2 of 1,597,324 alleles (0.00013%); highest among the groups gnomAD compares: Non-Finnish European, 0.00017%; no homozygotes.

Submission:

Ambry Genetics
Classification: Uncertain significance. Last evaluated: 2025-09-11. Review status: criteria provided, single submitter. Criteria: Ambry Variant Classification Scheme 2023. Collection method: clinical testing. Allele origin: germline.
Comment: The p.A1850V variant (also known as c.5549C>T), located in coding exon 22 of the WNK2 gene, results from a C to T substitution at nucleotide position 5549. The alanine at codon 1850 is replaced by valine, an amino acid with similar properties. This amino acid position is conserved. In addition, this alteration is predicted to be tolerated by in silico analysis. Based on the available evidence, the clinical significance of this variant remains unclear.

NM_006648.4(WNK2):c.5549C>T (p.Ala1850Val)

Gene: WNK2 (WNK lysine deficient protein kinase 2; plus strand). Cytogenetic location: 9q22.31.
Variant type: single nucleotide variant.
Coding change: c.5549C>T on transcript NM_006648.4 (MANE Select); coding-DNA position 5549, C replaced by T.
Protein change: p.Ala1850Val; replaces alanine 1850 with valine.
Molecular consequence: missense variant.
Genome position (GRCh38, 1-based): chr9:93,293,014, C>T. VCF-style: chr9-93293014-C-T. GRCh37 (hg19) VCF-style: chr9-96055296-C-T.
Other names: c.5660C>T, p.Ala1887Val (NM_001282394.3); short protein forms A1850V, A1887V.
Identifiers: ClinVar variation 4201895 (VCV004201895.1).